The following is an entry in ClinVar:

NM_020639.3(RIPK4):c.360A>C (p.Arg120=)

Gene: RIPK4 (receptor interacting serine/threonine kinase 4; minus strand). Cytogenetic location: 21q22.3.
Variant type: single nucleotide variant.
Coding change: c.360A>C on transcript NM_020639.3 (MANE Select); coding-DNA position 360, A replaced by C.
Protein change: p.Arg120=; no amino-acid change (arginine 120 retained).
Molecular consequence: synonymous variant.
Genome position (GRCh38, 1-based): chr21:41,756,639, T>G on the plus strand (A>C on the coding strand, the complement: RIPK4 is on the minus strand). VCF-style: chr21-41756639-T-G. GRCh37 (hg19) VCF-style: chr21-43176799-T-G.
Identifiers: ClinVar variation 340031 (VCV000340031.10), dbSNP rs13049286, ClinGen allele CA10035790.

ClinVar aggregate classification (germline): Benign. Review status: criteria provided, multiple submitters, no conflicts (2 of 4 stars). 4 submissions from 4 submitters: Benign (4). Last evaluated 2021-11-07.

Conditions:
Bartsocas-Papas syndrome 1. Also called: Bartsocas-Papas syndrome; MULTIPLE PTERYGIUM SYNDROME, ASLAN TYPE; PTERYGIUM, POPLITEAL, LETHAL TYPE. Identifiers: Orphanet 1234, MedGen C1849718, MONDO:0009901, OMIM 263650.

Allele frequency attached by ClinVar (database versions not stated): TOPMed 0.14157; ESP Exome Variant Server 0.14670; 1000 Genomes Project 30x 0.12320; 1000 Genomes Project 0.12640; ExAC 0.13311; gnomAD 0.13916 and 0.13921.
gnomAD v4.1: 219,080 of 1,613,896 alleles (14%); highest among the groups gnomAD compares: Middle Eastern, 23%; 15,935 homozygotes.

Submissions (4):

Genome-Nilou Lab
Classification: Benign for Bartsocas-Papas syndrome 1. Last evaluated: 2021-11-07. Review status: criteria provided, single submitter. Criteria: ACMG Guidelines, 2015. Collection method: clinical testing. Allele origin: germline. Affected: no.

GeneDx
Classification: Benign. Last evaluated: 2019-09-05. Review status: criteria provided, single submitter. Criteria: GeneDx Variant Classification Process June 2021. Collection method: clinical testing. Allele origin: germline. Affected: yes.

Illumina Laboratory Services, Illumina
Classification: Benign for Bartsocas-Papas syndrome 1. Last evaluated: 2018-01-13. Review status: criteria provided, single submitter. Criteria: ICSL Variant Classification Criteria 13 December 2019. Collection method: clinical testing. Allele origin: germline.
Comment: This variant was observed in the ICSL laboratory as part of a predisposition screen in an ostensibly healthy population. It had not been previously curated by ICSL or reported in the Human Gene Mutation Database (HGMD: prior to June 1st, 2018), and was therefore a candidate for classification through an automated scoring system. Utilizing variant allele frequency, disease prevalence and penetrance estimates, and inheritance mode, an automated score was calculated to assess if this variant is too frequent to cause the disease. Based on the score and internal cut-off values, a variant classified as benign is not then subjected to further curation. The score for this variant resulted in a classification of benign for this disease.

Breakthrough Genomics
Classification: Benign. Review status: criteria provided, single submitter. Criteria: ACMG Guidelines, 2015. Collection method: not provided. Allele origin: germline. Inheritance: Autosomal recessive inheritance. Affected: yes.